The following is an entry in ClinVar:

ClinVar aggregate classification (germline): Pathogenic (1 of 4 stars; one submission).

Conditions:
BAP1-related tumor predisposition syndrome (TPDS1). Also called: BAP1 tumor predisposition syndrome; Tumor susceptibility linked to germline BAP1 mutations; COMMON Syndrome; TUMOR PREDISPOSITION SYNDROME 1. Identifiers: Orphanet 289539, MedGen C3280492, MONDO:0013692, OMIM 614327.

Submission:

Labcorp Genetics (formerly Invitae), Labcorp
Classification: Pathogenic for BAP1-related tumor predisposition syndrome. Last evaluated: 2019-02-08. Review status: criteria provided, single submitter. Criteria: Invitae Variant Classification Sherloc (09022015). Collection method: clinical testing. Allele origin: germline.
Comment: This variant is not present in population databases (ExAC no frequency). This sequence change creates a premature translational stop signal (p.Arg59Glyfs*13) in the BAP1 gene. It is expected to result in an absent or disrupted protein product. For these reasons, this variant has been classified as Pathogenic. Loss-of-function variants in BAP1 are known to be pathogenic (PMID: 21874000, 23684012). This variant has not been reported in the literature in individuals with BAP1-related conditions.

Literature cited by the submitters: PubMed 21874000; PubMed 23684012.

NM_004656.4(BAP1):c.175del (p.Arg59fs)

Gene: BAP1 (BRCA1 associated deubiquitinase 1; minus strand). Cytogenetic location: 3p21.1.
Variant type: Deletion.
Coding change: c.175del on transcript NM_004656.4 (MANE Select); coding-DNA position 175, one base deleted (C; older notation c.175delC).
Protein change: p.Arg59fs; shifts the reading frame from arginine 59.
Molecular consequence: frameshift variant.
Genome position (GRCh38, 1-based): chr3:52,408,554, G deleted on the plus strand (C on the coding strand, the reverse complement: BAP1 is on the minus strand); the first of 3 consecutive G bases (chr3:52,408,554-52,408,556); deleting any one gives the same sequence. VCF-style (leftmost placement, unchanged base first): chr3-52408553-CG-C. GRCh37 (hg19) VCF-style: chr3-52442569-CG-C.
Other names: short protein forms R59fs.
Identifiers: ClinVar variation 851433 (VCV000851433.7), dbSNP rs1705238769, ClinGen allele CA916081439.